The following is an entry in ClinVar:

ClinVar aggregate classification (germline): Uncertain significance (1 of 4 stars; one submission).

Conditions:
Axenfeld-Rieger syndrome type 3 (RIEG3). Also called: AXENFELD-RIEGER ANOMALY WITH CARDIAC DEFECTS AND/OR SENSORINEURAL HEARING LOSS. Identifiers: Orphanet 782, MedGen C2678503, MONDO:0011233, OMIM 602482.

Submission:

Labcorp Genetics (formerly Invitae), Labcorp
Classification: Uncertain significance for Axenfeld-Rieger syndrome type 3. Last evaluated: 2025-11-13. Review status: criteria provided, single submitter. Criteria: Invitae Variant Classification Sherloc (09022015). Collection method: clinical testing. Allele origin: germline.
Comment: This sequence change affects codon 409 of the FOXC1 mRNA. It is a 'silent' change, meaning that it does not change the encoded amino acid sequence of the FOXC1 protein. This variant is not present in population databases (gnomAD no frequency). This variant has not been reported in the literature in individuals affected with FOXC1-related conditions. In summary, the available evidence is currently insufficient to determine the role of this variant in disease. Therefore, it has been classified as a Variant of Uncertain Significance.

NM_001453.3(FOXC1):c.1227G>T (p.Gly409=)

Gene: FOXC1 (forkhead box C1; plus strand). Cytogenetic location: 6p25.3.
Variant type: single nucleotide variant.
Coding change: c.1227G>T on transcript NM_001453.3 (MANE Select); coding-DNA position 1227, G replaced by T.
Protein change: p.Gly409=; no amino-acid change (glycine 409 retained).
Molecular consequence: synonymous variant.
Genome position (GRCh38, 1-based): chr6:1,611,672, G>T. VCF-style: chr6-1611672-G-T. GRCh37 (hg19) VCF-style: chr6-1611907-G-T.
Identifiers: ClinVar variation 4740822 (VCV004740822.1).